The following is an entry in ClinVar:

NM_004304.5(ALK):c.173T>C (p.Phe58Ser)

Gene: ALK (ALK receptor tyrosine kinase; minus strand). Cytogenetic location: 2p23.1.
Variant type: single nucleotide variant.
Coding change: c.173T>C on transcript NM_004304.5 (MANE Select); coding-DNA position 173, T replaced by C.
Protein change: p.Phe58Ser; replaces phenylalanine 58 with serine.
Molecular consequence: missense variant.
Genome position (GRCh38, 1-based): chr2:29,920,487, A>G on the plus strand (T>C on the coding strand, the complement: ALK is on the minus strand). VCF-style: chr2-29920487-A-G. GRCh37 (hg19) VCF-style: chr2-30143353-A-G.
Other names: short protein forms F58S.
Identifiers: ClinVar variation 4273172 (VCV004273172.1).

ClinVar aggregate classification (germline): Uncertain significance (1 of 4 stars; one submission).

Conditions:
Hereditary cancer-predisposing syndrome. Also called: Hereditary Cancer Syndrome; Hereditary neoplastic syndrome; Neoplastic Syndromes, Hereditary; Tumor predisposition. Identifiers: Orphanet 140162, MedGen C0027672, MeSH D009386, MONDO:0015356.

Submission:

Ambry Genetics
Classification: Uncertain significance for Hereditary cancer-predisposing syndrome. Last evaluated: 2025-09-01. Review status: criteria provided, single submitter. Criteria: Ambry Variant Classification Scheme 2023. Collection method: clinical testing. Allele origin: germline.
Comment: The p.F58S variant (also known as c.173T>C), located in coding exon 1 of the ALK gene, results from a T to C substitution at nucleotide position 173. The phenylalanine at codon 58 is replaced by serine, an amino acid with highly dissimilar properties. This amino acid position is conserved. In addition, this alteration is predicted to be deleterious by in silico analysis. Based on the available evidence, the clinical significance of this variant remains unclear.